The following is an entry in ClinVar:

NM_001099271.2(POC5):c.694A>T (p.Ile232Phe)

Gene: POC5 (POC5 centriolar protein; minus strand). Cytogenetic location: 5q13.3.
Variant type: single nucleotide variant.
Coding change: c.694A>T on transcript NM_001099271.2 (MANE Select); coding-DNA position 694, A replaced by T.
Protein change: p.Ile232Phe; replaces isoleucine 232 with phenylalanine.
Molecular consequence: missense variant.
Genome position (GRCh38, 1-based): chr5:75,692,497, T>A on the plus strand (A>T on the coding strand, the complement: POC5 is on the minus strand). VCF-style: chr5-75692497-T-A. GRCh37 (hg19) VCF-style: chr5-74988322-T-A.
Other names: c.619A>T, p.Ile207Phe (NM_152408.3); short protein forms I207F, I232F.
Identifiers: ClinVar variation 1384874 (VCV001384874.6), dbSNP rs2112125963, ClinGen allele CA360147425.
Genomic context (GRCh38, chr5:75,692,497, plus strand): 5'-ATGTTCTCATCAACTCTATCTTTTCCTTTTGCTTGCCTATGGCATGAGACAAGCTAGAAA[T>A]CACCTGTAAACAGCAATTAACCCAATTATTGTGATATTAAAATAACAGCAATTGGTAAAG-3'
Protein context (NP_001092741.1, residues 222-242): EISIGRKDEV[Ile232Phe]SSLSHAIGKQ

ClinVar aggregate classification (germline): Uncertain significance (1 of 4 stars; one submission).

Submission:

Labcorp Genetics (formerly Invitae), Labcorp
Classification: Uncertain significance. Last evaluated: 2021-10-06. Review status: criteria provided, single submitter. Criteria: Invitae Variant Classification Sherloc (09022015). Collection method: clinical testing. Allele origin: germline.
Comment: This sequence change replaces isoleucine with phenylalanine at codon 232 of the POC5 protein (p.Ile232Phe). There is a small physicochemical difference between isoleucine and phenylalanine. In summary, the available evidence is currently insufficient to determine the role of this variant in disease. Therefore, it has been classified as a Variant of Uncertain Significance. Algorithms developed to predict the effect of missense changes on protein structure and function are either unavailable or do not agree on the potential impact of this missense change (SIFT: "Not Available"; PolyPhen-2: "Probably Damaging"; Align-GVGD: "Not Available"). This variant has not been reported in the literature in individuals affected with POC5-related conditions. This variant is not present in population databases (ExAC no frequency).